The following is an entry in ClinVar:

NM_053025.4(MYLK):c.526C>G (p.Gln176Glu)

Gene: MYLK (myosin light chain kinase; minus strand). Cytogenetic location: 3q21.1.
Variant type: single nucleotide variant.
Coding change: c.526C>G on transcript NM_053025.4 (MANE Select); coding-DNA position 526, C replaced by G.
Protein change: p.Gln176Glu; replaces glutamine 176 with glutamic acid.
Molecular consequence: missense variant. On other transcripts: 5 prime UTR variant (1).
Genome position (GRCh38, 1-based): chr3:123,738,959, G>C on the plus strand (C>G on the coding strand, the complement: MYLK is on the minus strand). VCF-style: chr3-123738959-G-C. GRCh37 (hg19) VCF-style: chr3-123457806-G-C.
Other names: c.-3C>G (NM_001321309.2); c.526C>G, p.Gln176Glu (NM_053026.4, NM_053027.4, NM_053028.4); short protein forms Q176E.
Identifiers: ClinVar variation 2788606 (VCV002788606.3), dbSNP rs2474623389, ClinGen allele CA354241772.
Genomic context (GRCh38, chr3:123,738,959, plus strand): 5'-TGAGCCAGGTGACCTGCGGTTGGGGCCGGCCAGTGATCTTGCAGGAGAATCGTCCCATCT[G>C]TCCTTCTTTGACCACAACTCGGCCCAGCTTGGTAGCAAACTTTGGTGGGCACTCCCCCCA-3'
Protein context (NP_444253.3, residues 166-186): KLGRVVVKEG[Gln176Glu]MGRFSCKITG

ClinVar aggregate classification (germline): Uncertain significance (1 of 4 stars; one submission).

Conditions:
Aortic aneurysm, familial thoracic 7 (AAT7). Also called: AORTIC DISSECTION, FAMILIAL, WITH OR WITHOUT AORTIC ANEURYSM. Identifiers: MedGen C3151077, MONDO:0013418, OMIM 613780.

Allele frequency attached by ClinVar (database versions not stated): gnomAD exomes below 0.00001.
gnomAD v4.1: 1 of 1,613,406 alleles (0.000062%); highest among the groups gnomAD compares: Non-Finnish European, 0.000085%; no homozygotes.

Submission:

Labcorp Genetics (formerly Invitae), Labcorp
Classification: Uncertain significance for Aortic aneurysm, familial thoracic 7. Last evaluated: 2023-03-15. Review status: criteria provided, single submitter. Criteria: Invitae Variant Classification Sherloc (09022015). Collection method: clinical testing. Allele origin: germline.
Comment: In summary, the available evidence is currently insufficient to determine the role of this variant in disease. Therefore, it has been classified as a Variant of Uncertain Significance. Advanced modeling of protein sequence and biophysical properties (such as structural, functional, and spatial information, amino acid conservation, physicochemical variation, residue mobility, and thermodynamic stability) performed at Invitae indicates that this missense variant is not expected to disrupt MYLK protein function. This variant has not been reported in the literature in individuals affected with MYLK-related conditions. This variant is not present in population databases (gnomAD no frequency). This sequence change replaces glutamine, which is neutral and polar, with glutamic acid, which is acidic and polar, at codon 176 of the MYLK protein (p.Gln176Glu).